The following is an entry in ClinVar:

ClinVar aggregate classification (germline): Uncertain significance (1 of 4 stars; one submission).

Submission:

Women's Health and Genetics/Laboratory Corporation of America, LabCorp
Classification: Uncertain significance. Last evaluated: 2026-01-29. Review status: criteria provided, single submitter. Criteria: LabCorp Variant Classification Summary - May 2015. Collection method: clinical testing. Allele origin: germline.
Comment: Variant summary: DSG2 c.967A>T (p.Ile323Leu) results in a conservative amino acid change in the encoded protein sequence. Algorithms developed to predict the effect of missense changes on protein structure and function are either unavailable or do not agree on the potential impact of this missense change. The variant was absent in 249402 control chromosomes. The available data on variant occurrences in the general population are insufficient to allow any conclusion about variant significance. To our knowledge, no occurrence of c.967A>T in individuals affected with DSG2-related conditions and no experimental evidence demonstrating its impact on protein function have been reported. No submitters have cited clinical-significance assessments for this variant to ClinVar. Based on the evidence outlined above, the variant was classified as uncertain significance.

NM_001943.5(DSG2):c.967A>T (p.Ile323Leu)

Gene: DSG2 (desmoglein 2; plus strand). Cytogenetic location: 18q12.1.
Variant type: single nucleotide variant.
Coding change: c.967A>T on transcript NM_001943.5 (MANE Select); coding-DNA position 967, A replaced by T.
Protein change: p.Ile323Leu; replaces isoleucine 323 with leucine.
Molecular consequence: missense variant.
Genome position (GRCh38, 1-based): chr18:31,524,841, A>T. VCF-style: chr18-31524841-A-T. GRCh37 (hg19) VCF-style: chr18-29104804-A-T.
Other names: short protein forms I323L.
Identifiers: ClinVar variation 4689037 (VCV004689037.1).